The following is an entry in ClinVar:

ClinVar aggregate classification (germline): Uncertain significance (1 of 4 stars; one submission).

Conditions:
Hypertrophic cardiomyopathy. Also called: HYPERTROPHIC MYOCARDIOPATHY. Identifiers: Orphanet 217569, MedGen C0007194, MeSH D002312, MONDO:0005045, HP:0001639.

gnomAD v4.1: 5 of 1,611,994 alleles (0.00031%); highest among the groups gnomAD compares: Non-Finnish European, 0.00042%; no homozygotes.

Submission:

Labcorp Genetics (formerly Invitae), Labcorp
Classification: Uncertain significance for Hypertrophic cardiomyopathy. Last evaluated: 2025-03-08. Review status: criteria provided, single submitter. Criteria: Invitae Variant Classification Sherloc (09022015). Collection method: clinical testing. Allele origin: germline.
Comment: This sequence change replaces arginine, which is basic and polar, with leucine, which is neutral and non-polar, at codon 1263 of the MYBPC3 protein (p.Arg1263Leu). This variant is not present in population databases (gnomAD no frequency). This variant has not been reported in the literature in individuals affected with MYBPC3-related conditions. ClinVar contains an entry for this variant (Variation ID: 1399765). An algorithm developed to predict the effect of missense changes on protein structure and function (PolyPhen-2) suggests that this variant is likely to be tolerated. In summary, the available evidence is currently insufficient to determine the role of this variant in disease. Therefore, it has been classified as a Variant of Uncertain Significance.

NM_000256.3(MYBPC3):c.3788G>T (p.Arg1263Leu)

Gene: MYBPC3 (myosin binding protein C3; minus strand). Cytogenetic location: 11p11.2.
Variant type: single nucleotide variant.
Coding change: c.3788G>T on transcript NM_000256.3 (MANE Select); coding-DNA position 3788, G replaced by T.
Protein change: p.Arg1263Leu; replaces arginine 1263 with leucine.
Molecular consequence: missense variant.
Genome position (GRCh38, 1-based): chr11:47,332,098, C>A on the plus strand (G>T on the coding strand, the complement: MYBPC3 is on the minus strand). VCF-style: chr11-47332098-C-A. GRCh37 (hg19) VCF-style: chr11-47353649-C-A.
Other names: short protein forms R1263L.
Identifiers: ClinVar variation 1399765 (VCV001399765.8), dbSNP rs781180230, ClinGen allele CA380310507.